The following is an entry in ClinVar:

ClinVar aggregate classification (germline): Uncertain significance (1 of 4 stars; one submission).

Submission:

GeneDx
Classification: Uncertain significance. Last evaluated: 2022-09-02. Review status: criteria provided, single submitter. Criteria: GeneDx Variant Classification Process June 2021. Collection method: clinical testing. Allele origin: germline. Affected: yes.
Comment: Not observed at significant frequency in large population cohorts (gnomAD); In silico analysis supports that this missense variant does not alter protein structure/function; Has not been previously published as pathogenic or benign to our knowledge

NM_006445.4(PRPF8):c.5113A>G (p.Ile1705Val)

Gene: PRPF8 (pre-mRNA processing factor 8; minus strand). Cytogenetic location: 17p13.3.
Variant type: single nucleotide variant.
Coding change: c.5113A>G on transcript NM_006445.4 (MANE Select); coding-DNA position 5113, A replaced by G.
Protein change: p.Ile1705Val; replaces isoleucine 1705 with valine.
Molecular consequence: missense variant.
Genome position (GRCh38, 1-based): chr17:1,659,382, T>C on the plus strand (A>G on the coding strand, the complement: PRPF8 is on the minus strand). VCF-style: chr17-1659382-T-C. GRCh37 (hg19) VCF-style: chr17-1562676-T-C.
Other names: short protein forms I1705V.
Identifiers: ClinVar variation 2442494 (VCV002442494.1), dbSNP rs2543729289, ClinGen allele CA397573878.